The following is an entry in ClinVar:

NM_002474.3(MYH11):c.3392G>T (p.Arg1131Leu)

Gene: MYH11 (myosin heavy chain 11; minus strand). Cytogenetic location: 16p13.11.
Variant type: single nucleotide variant.
Coding change: c.3392G>T on transcript NM_002474.3 (MANE Select); coding-DNA position 3392, G replaced by T.
Protein change: p.Arg1131Leu; replaces arginine 1131 with leucine.
Molecular consequence: missense variant.
Genome position (GRCh38, 1-based): chr16:15,735,480, C>A on the plus strand (G>T on the coding strand, the complement: MYH11 is on the minus strand). VCF-style: chr16-15735480-C-A. GRCh37 (hg19) VCF-style: chr16-15829337-C-A.
Other names: c.3413G>T, p.Arg1138Leu (NM_001040113.2, NM_001040114.2); c.3392G>T, p.Arg1131Leu (NM_022844.3); short protein forms R1131L, R1138L.
Identifiers: ClinVar variation 4756182 (VCV004756182.1).
Genomic context (GRCh38, chr16:15,735,480, plus strand): 5'-AGGGCCTCCAGCTCCTCGCCGAGGTCTCGCTTCTGCTTTTCAGCCTTGTTCCTGGCGGCC[C>A]GCTCTGAGTCCAGGTCCTCCTGGAGGTCTGAGATGTGGCCCTCCAGCTCCCGGATCTTCT-3'
Protein context (NP_002465.1, residues 1121-1141): SDLQEDLDSE[Arg1131Leu]AARNKAEKQK

ClinVar aggregate classification (germline): Uncertain significance (1 of 4 stars; one submission).

Conditions:
Familial thoracic aortic aneurysm and aortic dissection (TAAD). Also called: Thoracic aortic aneurysms and dissections. Identifiers: Orphanet 91387, MedGen C4707243, MONDO:0019625.

gnomAD v4.1: 1 of 1,614,104 alleles (0.000062%); highest among the groups gnomAD compares: Non-Finnish European, 0.000085%; no homozygotes.

Submission:

Color Diagnostics, LLC DBA Color Health
Classification: Uncertain significance for Familial thoracic aortic aneurysm and aortic dissection. Last evaluated: 2025-09-05. Review status: criteria provided, single submitter. Criteria: ACMG Guidelines, 2015. Collection method: clinical testing. Allele origin: germline.
Comment: This missense variant replaces arginine with leucine at codon 1138 of the MYH11 protein. Computational prediction is inconclusive regarding the impact of this variant on protein structure and function. To our knowledge, functional studies have not been reported for this variant. This variant has not been reported in individuals affected with MYH11-related disorders in the literature. This variant has been identified in 1/251484 chromosomes in the general population by the Genome Aggregation Database (gnomAD). The available evidence is insufficient to determine the role of this variant in disease conclusively. Therefore, this variant is classified as a Variant of Uncertain Significance.